The following is an entry in ClinVar:

ClinVar aggregate classification (germline): Pathogenic (1 of 4 stars; one submission).

Submission:

Labcorp Genetics (formerly Invitae), Labcorp
Classification: Pathogenic. Last evaluated: 2025-12-22. Review status: criteria provided, single submitter. Criteria: Invitae Variant Classification Sherloc (09022015). Collection method: clinical testing. Allele origin: germline.
Comment: This sequence change creates a premature translational stop signal (p.Glu187*) in the DNAJC21 gene. It is expected to result in an absent or disrupted protein product. Loss-of-function variants in DNAJC21 are known to be pathogenic (PMID: 27346687, 28062395). This variant is not present in population databases (gnomAD no frequency). This variant has not been reported in the literature in individuals affected with DNAJC21-related conditions. ClinVar contains an entry for this variant (Variation ID: 2029926). For these reasons, this variant has been classified as Pathogenic.

Literature cited by the submitters: PubMed 27346687; PubMed 28062395.

NM_001012339.3(DNAJC21):c.559G>T (p.Glu187Ter)

Gene: DNAJC21 (DnaJ heat shock protein family (Hsp40) member C21; plus strand). Cytogenetic location: 5p13.2.
Variant type: single nucleotide variant.
Coding change: c.559G>T on transcript NM_001012339.3 (MANE Select); coding-DNA position 559, G replaced by T.
Protein change: p.Glu187Ter; replaces glutamic acid 187 with a stop codon.
Molecular consequence: nonsense.
Genome position (GRCh38, 1-based): chr5:34,937,446, G>T. VCF-style: chr5-34937446-G-T. GRCh37 (hg19) VCF-style: chr5-34937551-G-T.
Other names: c.559G>T, p.Glu187Ter (NM_001348420.2, NM_194283.4); short protein forms E187*.
Identifiers: ClinVar variation 2029926 (VCV002029926.4), dbSNP rs2480597949, ClinGen allele CA359414807.